The following is an entry in ClinVar:

NM_032383.5(HPS3):c.1686C>G (p.Tyr562Ter)

Gene: HPS3 (HPS3 biogenesis of lysosomal organelles complex 2 subunit 1; plus strand). Cytogenetic location: 3q24.
Variant type: single nucleotide variant.
Coding change: c.1686C>G on transcript NM_032383.5 (MANE Select); coding-DNA position 1686, C replaced by G.
Protein change: p.Tyr562Ter; replaces tyrosine 562 with a stop codon.
Molecular consequence: nonsense.
Genome position (GRCh38, 1-based): chr3:149,157,526, C>G. VCF-style: chr3-149157526-C-G. GRCh37 (hg19) VCF-style: chr3-148875313-C-G.
Other names: c.1191C>G, p.Tyr397Ter (NM_001308258.2); short protein forms Y562*, Y397*.
Identifiers: ClinVar variation 1449892 (VCV001449892.7), dbSNP rs1292407171, ClinGen allele CA354922222.

ClinVar aggregate classification (germline): Pathogenic. Review status: criteria provided, multiple submitters, no conflicts (2 of 4 stars). 2 submissions from 2 submitters: Pathogenic (2). Last evaluated 2026-01-18.

Conditions:
Hermansky-Pudlak syndrome 3 (HPS3). Identifiers: Orphanet 231512, Orphanet 79430, MedGen C3888001, MONDO:0013555, OMIM 614072.

gnomAD v4.1: 1 of 1,613,612 alleles (0.000062%); highest among the groups gnomAD compares: Non-Finnish European, 0.000085%; no homozygotes.

Submissions (2):

Myriad Genetics, Inc.
Classification: Pathogenic for Hermansky-Pudlak syndrome 3. Last evaluated: 2026-01-18. Review status: criteria provided, single submitter. Criteria: Myriad Autosomal Dominant, Autosomal Recessive and X-Linked Classification Criteria (2023). Collection method: clinical testing. Allele origin: unknown.
Comment: NM_032383.3(HPS3):c.1686C>G(Y562*) is expected to be pathogenic in the context of Hermansky-Pudlak syndrome, HPS3-related. This variant is predicted to lead to an abnormal or absent protein product due to the creation of a premature termination codon in HPS3, a gene where loss-of-function variants are known to be pathogenic. Please note: this variant was assessed in the context of healthy population screening.

Labcorp Genetics (formerly Invitae), Labcorp
Classification: Pathogenic. Last evaluated: 2020-12-14. Review status: criteria provided, single submitter. Criteria: Invitae Variant Classification Sherloc (09022015). Collection method: clinical testing. Allele origin: germline.
Comment: For these reasons, this variant has been classified as Pathogenic. This variant has not been reported in the literature in individuals with HPS3-related conditions. This variant is not present in population databases (ExAC no frequency). This sequence change creates a premature translational stop signal (p.Tyr562*) in the HPS3 gene. It is expected to result in an absent or disrupted protein product. Loss-of-function variants in HPS3 are known to be pathogenic (PMID: 11590544).

Literature cited by the submitters: PubMed 11590544 (cited by Labcorp Genetics (formerly Invitae), Labcorp).